The following is an entry in ClinVar:

ClinVar aggregate classification (germline): Likely pathogenic (1 of 4 stars; one submission).

Conditions:
Stargardt disease 4 (STGD4). Identifiers: Orphanet 827, MedGen C1863534, MONDO:0011370, OMIM 603786.

Submission:

Ophthalmology Department, Faculty of Medicine, Ain Shams University
Classification: Likely pathogenic for Stargardt disease 4. Last evaluated: 2026-01-17. Review status: criteria provided, single submitter. Criteria: ACMG Guidelines, 2015. Collection method: provider interpretation. Allele origin: germline. Affected: yes. Observed: 1 variant allele.
Comment: This nucleotide deletion causes frameshift in PROM1 mRNA reading frame, leading to premature stop codon and truncated protein likely degraded via nonsense-mediated decay (PVS1). This variant is not present in normal popuation database (gnomAD) (PM2).

NM_006017.3(PROM1):c.484_485del (p.Leu162fs)

Gene: PROM1 (prominin 1; minus strand).
Variant type: Deletion.
Coding change: c.484_485del on transcript NM_006017.3 (MANE Select); coding-DNA positions 484 to 485, 2 bases deleted.
Protein change: p.Leu162fs; shifts the reading frame from leucine 162.
Molecular consequence: frameshift variant. On other transcripts: non-coding transcript variant (2).
Other names: c.457_458del, p.Leu153fs (NM_001145847.2, NM_001145848.2, NM_001441175.1 and 10 more transcripts); c.118_119del, p.Leu40fs (NM_001441179.1); c.484_485del, p.Leu162fs (NM_001145849.2, NM_001145850.2); short protein forms L153fs, L162fs, L40fs.
Identifiers: ClinVar variation 4686710 (VCV004686710.1).